The following is an entry in ClinVar:

ClinVar aggregate classification (germline): Uncertain significance (1 of 4 stars; one submission).

Allele frequency attached by ClinVar (database versions not stated): gnomAD exomes below 0.00001; gnomAD 0.00001; TOPMed 0.00002.
gnomAD v4.1: 4 of 1,600,006 alleles (0.00025%); highest among the groups gnomAD compares: Non-Finnish European, 0.00034%; no homozygotes.

Submission:

Labcorp Genetics (formerly Invitae), Labcorp
Classification: Uncertain significance. Last evaluated: 2021-05-06. Review status: criteria provided, single submitter. Criteria: Invitae Variant Classification Sherloc (09022015). Collection method: clinical testing. Allele origin: germline.
Comment: This sequence change replaces glycine with aspartic acid at codon 717 of the ARHGEF18 protein (p.Gly717Asp). The glycine residue is moderately conserved and there is a moderate physicochemical difference between glycine and aspartic acid. This variant is not present in population databases (ExAC no frequency). In summary, the available evidence is currently insufficient to determine the role of this variant in disease. Therefore, it has been classified as a Variant of Uncertain Significance. Algorithms developed to predict the effect of missense changes on protein structure and function output the following: SIFT: "Tolerated"; PolyPhen-2: "Possibly Damaging"; Align-GVGD: "Class C0". The aspartic acid amino acid residue is found in multiple mammalian species, suggesting that this missense change does not adversely affect protein function. These predictions have not been confirmed by published functional studies and their clinical significance is uncertain. This variant has not been reported in the literature in individuals with ARHGEF18-related conditions.

NM_001367823.1(ARHGEF18):c.2714G>A (p.Gly905Asp)

Gene: ARHGEF18 (Rho/Rac guanine nucleotide exchange factor 18; plus strand). Cytogenetic location: 19p13.2.
Variant type: single nucleotide variant.
Coding change: c.2714G>A on transcript NM_001367823.1 (MANE Select); coding-DNA position 2714, G replaced by A.
Protein change: p.Gly905Asp; replaces glycine 905 with aspartic acid.
Molecular consequence: missense variant.
Genome position (GRCh38, 1-based): chr19:7,463,896, G>A. VCF-style: chr19-7463896-G-A. GRCh37 (hg19) VCF-style: chr19-7528782-G-A.
Other names: c.1988G>A, p.Gly663Asp (NM_001130955.2); c.1676G>A, p.Gly559Asp (NM_001367824.1, NM_015318.4); short protein forms G559D, G663D, G905D.
Identifiers: ClinVar variation 967662 (VCV000967662.8), dbSNP rs1365705086, ClinGen allele CA403082065.